The following is an entry in ClinVar:

ClinVar aggregate classification (germline): Pathogenic (1 of 4 stars; one submission).

Submission:

Quest Diagnostics Nichols Institute San Juan Capistrano
Classification: Pathogenic. Last evaluated: 2022-11-03. Review status: criteria provided, single submitter. Criteria: Quest Diagnostics criteria. Collection method: clinical testing. Allele origin: unknown.
Comment: This frameshift variant alters the translational reading frame of the MSH6 mRNA and causes the premature termination of MSH6 protein synthesis. To the best of our knowledge, the variant has not been reported in online databases or the published literature. It also has not been reported in large, multi-ethnic general populations. Based on the available information, this variant is classified as pathogenic.

NM_000179.3(MSH6):c.1312_1381del (p.Met438fs)

Gene: MSH6 (mutS homolog 6; plus strand). Cytogenetic location: 2p16.3.
Variant type: Deletion.
Coding change: c.1312_1381del on transcript NM_000179.3 (MANE Select); coding-DNA positions 1312 to 1381, 70 bases deleted.
Protein change: p.Met438fs; shifts the reading frame from methionine 438.
Molecular consequence: frameshift variant. On other transcripts: non-coding transcript variant (4), intron variant (1).
Genome position (GRCh38, 1-based): chr2:47,799,295-47,799,364, 70 bases deleted. GRCh37 (hg19): chr2:48,026,434-48,026,503.
Other names: c.1312_1381del70, p.Met438Phefs (NM_000179.2); c.922_991del, p.Met308fs (NM_001281492.2); c.406_475del, p.Met136fs (NM_001281493.2, NM_001281494.2, NM_001406811.1 and 6 more transcripts); c.1408_1477del, p.Met470fs (NM_001406795.1, NM_001406802.1); c.1312_1381del, p.Met438fs (NM_001406796.1, NM_001406798.1, NM_001406800.1 and 4 more transcripts); c.1015_1084del, p.Met339fs (NM_001406797.1, NM_001406801.1, NM_001406805.1 and 10 more transcripts); c.787_856del, p.Met263fs (NM_001406799.1, NM_001406806.1, NM_001406807.1); c.1234_1303del, p.Met412fs (NM_001406804.1); and 3 more; short protein forms M136fs, M263fs, M308fs, M339fs, M382fs, M412fs, M438fs, M440fs.
Identifiers: ClinVar variation 2682018 (VCV002682018.1), dbSNP rs2530602509, ClinGen allele CA2697548132.